The following is an entry in ClinVar:

ClinVar aggregate classification (germline): Conflicting classifications of pathogenicity. Review status: criteria provided, conflicting classifications (1 of 4 stars). 2 submissions from 2 submitters: Uncertain significance (1); Likely benign (1). Last evaluated 2025-03-05.

Conditions:
Blau syndrome (BLAUS). Also called: GRANULOMATOSIS, FAMILIAL JUVENILE SYSTEMIC; GRANULOMATOSIS, FAMILIAL, BLAU TYPE; GRANULOMATOUS INFLAMMATORY ARTHRITIS, DERMATITIS, AND UVEITIS, FAMILIAL; JABS SYNDROME; ARTHROCUTANEOUVEAL GRANULOMATOSIS. Identifiers: Orphanet 90340, MedGen C5201146, MONDO:0008523, OMIM 186580.
Regional enteritis. Also called: Enteritis, Granulomatous. Identifiers: MedGen C0678202, MeSH D003424.
Autoinflammatory syndrome. Identifiers: Orphanet 93665, MedGen C3890737, MONDO:0019751.

Allele frequency attached by ClinVar (database versions not stated): gnomAD exomes 0.00002 and 0.00004; TOPMed 0.00003; ExAC 0.00004; ESP Exome Variant Server 0.00008.
gnomAD v4.1: 36 of 1,613,042 alleles (0.0022%); highest among the groups gnomAD compares: Middle Eastern, 0.016%; no homozygotes.

Submissions (2):

Labcorp Genetics (formerly Invitae), Labcorp
Classification: Uncertain significance for Regional enteritis; Blau syndrome. Last evaluated: 2025-03-05. Review status: criteria provided, single submitter. Criteria: Invitae Variant Classification Sherloc (09022015). Collection method: clinical testing. Allele origin: germline.
Comment: This sequence change replaces arginine, which is basic and polar, with glutamine, which is neutral and polar, at codon 702 of the NOD2 protein (p.Arg702Gln). This variant is present in population databases (rs139104022, gnomAD 0.02%). This missense change has been observed in individual(s) with Chron's disease (PMID: 12202985). ClinVar contains an entry for this variant (Variation ID: 1694108). Invitae Evidence Modeling of protein sequence and biophysical properties (such as structural, functional, and spatial information, amino acid conservation, physicochemical variation, residue mobility, and thermodynamic stability) indicates that this missense variant is not expected to disrupt NOD2 protein function with a negative predictive value of 95%. In summary, the available evidence is currently insufficient to determine the role of this variant in disease. Therefore, it has been classified as a Variant of Uncertain Significance.

Genome Diagnostics Laboratory, The Hospital for Sick Children
Classification: Likely benign for Autoinflammatory syndrome. Last evaluated: 2021-04-13. Review status: criteria provided, single submitter. Criteria: ACMG Guidelines, 2015. Collection method: clinical testing. Allele origin: germline. Affected: yes.

Literature cited by the submitters: PubMed 12202985 (cited by Labcorp Genetics (formerly Invitae), Labcorp).

NM_001370466.1(NOD2):c.2024G>A (p.Arg675Gln)

Gene: NOD2 (nucleotide binding oligomerization domain containing 2; plus strand). Cytogenetic location: 16q12.1.
Variant type: single nucleotide variant.
Coding change: c.2024G>A on transcript NM_001370466.1 (MANE Select); coding-DNA position 2024, G replaced by A.
Protein change: p.Arg675Gln; replaces arginine 675 with glutamine.
Molecular consequence: missense variant. On other transcripts: non-coding transcript variant (1).
Genome position (GRCh38, 1-based): chr16:50,712,016, G>A. VCF-style: chr16-50712016-G-A. GRCh37 (hg19) VCF-style: chr16-50745927-G-A.
Other names: c.2024G>A, p.Arg675Gln (NM_001293557.2); c.2105G>A, p.Arg702Gln (NM_022162.3); short protein forms R675Q, R702Q.
Identifiers: ClinVar variation 1694108 (VCV001694108.8), dbSNP rs139104022, ClinGen allele CA8051692.